The following is an entry in ClinVar:

ClinVar aggregate classification (germline): Pathogenic (1 of 4 stars; one submission).

Conditions:
Mucopolysaccharidosis type 6 (MPS6). Also called: MPS 6; Maroteaux Lamy syndrome; N-ACETYLGALACTOSAMINE-4-SULFATASE DEFICIENCY; MPS VI; ARSB DEFICIENCY; ARYLSULFATASE B DEFICIENCY. Identifiers: Orphanet 583, MedGen C0026709, MONDO:0009661, OMIM 253200.

Submission:

Labcorp Genetics (formerly Invitae), Labcorp
Classification: Pathogenic for Mucopolysaccharidosis type 6. Last evaluated: 2022-03-03. Review status: criteria provided, single submitter. Criteria: Invitae Variant Classification Sherloc (09022015). Collection method: clinical testing. Allele origin: germline.
Comment: This sequence change creates a premature translational stop signal (p.Pro227Hisfs*26) in the ARSB gene. It is expected to result in an absent or disrupted protein product. Loss-of-function variants in ARSB are known to be pathogenic (PMID: 17458871, 22133300). For these reasons, this variant has been classified as Pathogenic. This variant has not been reported in the literature in individuals affected with ARSB-related conditions. This variant is not present in population databases (gnomAD no frequency).

Literature cited by the submitters: PubMed 17458871; PubMed 22133300.

NM_000046.5(ARSB):c.680del (p.Pro227fs)

Gene: ARSB (arylsulfatase B; minus strand). Cytogenetic location: 5q14.1.
Variant type: Deletion.
Coding change: c.680del on transcript NM_000046.5 (MANE Select); coding-DNA position 680, one base deleted (C; older notation c.680delC).
Protein change: p.Pro227fs; shifts the reading frame from proline 227.
Molecular consequence: frameshift variant.
Genome position (GRCh38, 1-based): chr5:78,964,426, G deleted on the plus strand (C on the coding strand, the reverse complement: ARSB is on the minus strand); the first of 2 consecutive G bases (chr5:78,964,426-78,964,427); deleting either gives the same sequence. VCF-style (leftmost placement, unchanged base first): chr5-78964425-TG-T. GRCh37 (hg19) VCF-style: chr5-78260248-TG-T.
Other names: c.680del, p.Pro227fs (NM_198709.3); short protein forms P227fs.
Identifiers: ClinVar variation 2102504 (VCV002102504.4), dbSNP rs2530588881, ClinGen allele CA2580073470.